The following is an entry in ClinVar:

NM_001277115.2(DNAH11):c.13305C>T (p.Gly4435=)

Genes: CDCA7L (cell division cycle associated 7 like; minus strand), DNAH11 (dynein axonemal heavy chain 11; plus strand). Cytogenetic location: 7p15.3.
Variant type: single nucleotide variant.
Coding change: c.13305C>T on transcript NM_001277115.2 (MANE Select); coding-DNA position 13305, C replaced by T.
Protein change: p.Gly4435=; no amino-acid change (glycine 4435 retained).
Molecular consequence: synonymous variant. On other transcripts: 3 prime UTR variant (3).
Genome position (GRCh38, 1-based): chr7:21,901,008, C>T. VCF-style: chr7-21901008-C-T. GRCh37 (hg19) VCF-style: chr7-21940626-C-T.
Other names: c.13326C>T (NM_003777.3); c.*1314G>A (NM_001127370.3, NM_001127371.3, NM_018719.5).
Identifiers: ClinVar variation 257872 (VCV000257872.65), dbSNP rs150682314, ClinGen allele CA4183448.

ClinVar aggregate classification (germline): Conflicting classifications of pathogenicity. Review status: criteria provided, conflicting classifications (1 of 4 stars). 9 submissions from 9 submitters: Uncertain significance (1); Benign (1); Likely benign (5). 2 of the submissions do not count toward it. Last evaluated 2026-07-01.

Conditions:
Primary ciliary dyskinesia. Also called: Ciliary dyskinesia. Identifiers: Orphanet 244, MedGen C0008780, MONDO:0016575, HP:0012265.
Primary ciliary dyskinesia 7. Also called: CILIARY DYSKINESIA, PRIMARY, 7, WITH OR WITHOUT SITUS INVERSUS. Identifiers: Orphanet 244, MedGen C2678473, MONDO:0012748, OMIM 611884.

Allele frequency attached by ClinVar (database versions not stated): ESP Exome Variant Server 0.00025; gnomAD 0.00029 and 0.00036; TOPMed 0.00032; gnomAD exomes 0.00068; ExAC 0.00076; 1000 Genomes Project 30x 0.00125; 1000 Genomes Project 0.00160.
gnomAD v4.1: 597 of 1,586,380 alleles (0.038%); highest among the groups gnomAD compares: South Asian, 0.27%; 2 homozygotes.

Submissions (9):

CeGaT Center for Human Genetics Tuebingen
Classification: Likely benign. Last evaluated: 2026-07-01. Review status: criteria provided, single submitter. Criteria: CeGaT Center For Human Genetics Tuebingen Variant Classification Criteria Version 2. Collection method: clinical testing. Allele origin: germline. Affected: yes. Observed: 2 variant alleles.
Comment: DNAH11: BP4, BP7

Labcorp Genetics (formerly Invitae), Labcorp
Classification: Benign for Primary ciliary dyskinesia. Last evaluated: 2026-02-01. Review status: criteria provided, single submitter. Criteria: Invitae Variant Classification Sherloc (09022015). Collection method: clinical testing. Allele origin: germline.

ARUP Laboratories, Molecular Genetics and Genomics, ARUP Laboratories
Classification: Likely benign for Primary ciliary dyskinesia 7. Last evaluated: 2025-05-29. Review status: criteria provided, single submitter. Criteria: ARUP Molecular Germline Variant Investigation Process 2024. Collection method: clinical testing. Allele origin: germline.

Blueprint Genetics
Classification: Likely benign. Last evaluated: 2024-11-21. Review status: criteria provided, single submitter. Criteria: ACMG Guidelines, 2015. Collection method: clinical testing. Allele origin: germline.

Eurofins Ntd Llc (ga)
Classification: Uncertain significance. Last evaluated: 2016-10-22. Review status: criteria provided, single submitter. Criteria: EGL Classification Definitions 2015. Collection method: clinical testing. Allele origin: germline. Observed: 1 variant allele, 1 heterozygote.

Ambry Genetics
Classification: Likely benign for Primary ciliary dyskinesia. Last evaluated: 2015-06-03. Review status: criteria provided, single submitter. Criteria: Ambry General Variant Classification Scheme_2022. Collection method: clinical testing. Allele origin: germline. Observed: 1 variant allele.

PreventionGenetics, part of Exact Sciences
Classification: Likely benign. Review status: criteria provided, single submitter. Criteria: ACMG Guidelines, 2015. Collection method: clinical testing. Allele origin: germline.

Clinical Genetics DNA and cytogenetics Diagnostics Lab, Erasmus MC, Erasmus Medical Center
Classification: Likely benign. Review status: no assertion criteria provided. Collection method: clinical testing. Allele origin: germline. Affected: yes. Study: VKGL Data-share Consensus. Not counted in ClinVar's aggregate classification.

Laboratory of Diagnostic Genome Analysis, Leiden University Medical Center (LUMC)
Classification: Likely benign. Review status: no assertion criteria provided. Collection method: clinical testing. Allele origin: germline. Affected: yes. Study: VKGL Data-share Consensus. Not counted in ClinVar's aggregate classification.